The following is an entry in ClinVar:

NM_001909.5(CTSD):c.972+10G>A

Gene: CTSD (cathepsin D; minus strand). Cytogenetic location: 11p15.5.
Variant type: single nucleotide variant.
Coding change: c.972+10G>A on transcript NM_001909.5 (MANE Select); 10 bases into the intron after coding-DNA position 972, G replaced by A.
Molecular consequence: intron variant.
Genome position (GRCh38, 1-based): chr11:1,753,984, C>T on the plus strand (G>A on the coding strand, the complement: CTSD is on the minus strand). VCF-style: chr11-1753984-C-T. GRCh37 (hg19) VCF-style: chr11-1775214-C-T.
Identifiers: ClinVar variation 287377 (VCV000287377.15), dbSNP rs531682785, ClinGen allele CA5813980.
Genomic context (GRCh38, chr11:1,753,984, plus strand): 5'-CAGGGTGGTAGTGGTGGCCTTGGGGCTCCCCCTGCCAGCCCCAGCCCCAGCCCCAGCCCC[C>T]GGCGCTCACCTCGCCCTGAATCAGCGGCACGGCCCCGATGGCCTTCTGCAGCTCGCGCAC-3'

ClinVar aggregate classification (germline): Conflicting classifications of pathogenicity. Review status: criteria provided, conflicting classifications (1 of 4 stars). 4 submissions from 4 submitters: Uncertain significance (1); Likely benign (2). 1 of the submissions does not count toward it. Last evaluated 2025-10-10.

Conditions:
CTSD-related disorder. Also called: CTSD-related condition.
Neuronal ceroid lipofuscinosis. Also called: Neuronal Ceroid Lipofuscinoses. Identifiers: Orphanet 216, Orphanet 79263, MedGen C0027877, MONDO:0016295. Disease mechanism: loss of function.

Allele frequency attached by ClinVar (database versions not stated): gnomAD 0.00001 and 0.00003; TOPMed 0.00001; gnomAD exomes 0.00004 and 0.00006; ExAC 0.00012; 1000 Genomes Project 30x 0.00016; 1000 Genomes Project 0.00060.
gnomAD v4.1: 58 of 1,605,134 alleles (0.0036%); highest among the groups gnomAD compares: South Asian, 0.034%; no homozygotes.

Submissions (4):

Labcorp Genetics (formerly Invitae), Labcorp
Classification: Likely benign for Neuronal ceroid lipofuscinosis. Last evaluated: 2025-10-10. Review status: criteria provided, single submitter. Criteria: Invitae Variant Classification Sherloc (09022015). Collection method: clinical testing. Allele origin: germline.

GeneDx
Classification: Likely benign. Last evaluated: 2017-04-24. Review status: criteria provided, single submitter. Criteria: GeneDx Variant Classification (06012015). Collection method: clinical testing. Allele origin: germline. Affected: yes.
Comment: This variant is considered likely benign or benign based on one or more of the following criteria: it is a conservative change, it occurs at a poorly conserved position in the protein, it is predicted to be benign by multiple in silico algorithms, and/or has population frequency not consistent with disease.

Eurofins Ntd Llc (ga)
Classification: Uncertain significance. Last evaluated: 2016-05-19. Review status: criteria provided, single submitter. Criteria: EGL Classification Definitions 2015. Collection method: clinical testing. Allele origin: germline. Observed: 1 variant allele, 1 heterozygote.

PreventionGenetics, part of Exact Sciences
Classification: Likely benign for CTSD-related condition. Last evaluated: 2019-06-27. Review status: no assertion criteria provided. Collection method: clinical testing. Allele origin: germline. Not counted in ClinVar's aggregate classification.
Comment: This variant is classified as likely benign based on ACMG/AMP sequence variant interpretation guidelines (Richards et al. 2015 PMID: 25741868, with internal and published modifications).